The following is an entry in ClinVar:

ClinVar aggregate classification (germline): Conflicting classifications of pathogenicity. Review status: criteria provided, conflicting classifications (1 of 4 stars). 5 submissions from 5 submitters: Likely pathogenic (1); Uncertain significance (4). Last evaluated 2025-06-12.

Conditions:
Noonan syndrome 1 (NS1). Also called: FEMALE PSEUDO-TURNER SYNDROME; TURNER PHENOTYPE WITH NORMAL KARYOTYPE; PTPN11-Related Noonan Syndrome. Identifiers: Orphanet 648, MedGen C4551602, MONDO:0008104, OMIM 163950. Disease mechanism: gain of function.
LEOPARD syndrome 1 (LPRD1). Also called: LENTIGINOSIS, CARDIOMYOPATHIC; MULTIPLE LENTIGINES SYNDROME; PTPN11-Related LEOPARD Syndrome. Identifiers: Orphanet 500, MedGen C4551484, MONDO:0100082, OMIM 151100.
Juvenile myelomonocytic leukemia (JMML). Also called: LEUKEMIA, JUVENILE MYELOMONOCYTIC, SOMATIC. Identifiers: Orphanet 86834, MedGen C0349639, MONDO:0011908, OMIM 607785, HP:0012209.
Metachondromatosis (METCDS). Identifiers: Orphanet 2499, MedGen C0410530, MONDO:0007979, OMIM 156250.
Cardiovascular phenotype. Identifiers: MedGen CN230736.
RASopathy. Also called: rasopathies; Noonan spectrum disorder. Identifiers: Orphanet 536391, MedGen C5555857, MONDO:0021060.

Submissions (5):

GeneDx
Classification: Likely pathogenic. Last evaluated: 2025-06-12. Review status: criteria provided, single submitter. Criteria: GeneDx Variant Classification Process June 2021. Collection method: clinical testing. Allele origin: germline. Affected: yes.
Comment: Has been observed in an adult patient with apparently isolated atrioventricular septal defect (PMID: 15940693); While a functional study suggested that L43F may result in a protein with increased binding affinity, further evidence is needed to verify this finding (PMID: 39012820); Not observed at significant frequency in large population cohorts (gnomAD); In silico analysis supports that this missense variant has a deleterious effect on protein structure/function; Missense variants in this gene are a common cause of disease and they are underrepresented in the general population; This variant is associated with the following publications: (PMID: 22781091, 29724030, 39091798, 29493581, 39012820, 15940693)

Ambry Genetics
Classification: Uncertain significance for Cardiovascular phenotype. Last evaluated: 2024-09-05. Review status: criteria provided, single submitter. Criteria: Ambry Variant Classification Scheme 2023. Collection method: clinical testing. Allele origin: germline.
Comment: The p.L43F variant (also known as c.127C>T), located in coding exon 2 of the PTPN11 gene, results from a C to T substitution at nucleotide position 127. The leucine at codon 43 is replaced by phenylalanine, an amino acid with highly similar properties. This alteration has been reported in congenital heart defect cohorts (Weismann et al. Am J Med Genet A. 2005 Jul 15;136(2):146-51; Sarkozy et al. Am J Med Genet A. 2006 Sep 15;140(18):1970-2). This amino acid position is highly conserved in available vertebrate species. In addition, this alteration is predicted to be deleterious by in silico analysis. Based on the available evidence, the clinical significance of this variant remains unclear.

Labcorp Genetics (formerly Invitae), Labcorp
Classification: Uncertain significance for RASopathy. Last evaluated: 2022-02-01. Review status: criteria provided, single submitter. Criteria: Invitae Variant Classification Sherloc (09022015). Collection method: clinical testing. Allele origin: germline.
Comment: ClinVar contains an entry for this variant (Variation ID: 561500). This missense change has been observed in individual(s) with complete atrioventricular septal defect and/or Noonan syndrome (PMID: 15940693; Invitae). This variant is not present in population databases (gnomAD no frequency). This sequence change replaces leucine, which is neutral and non-polar, with phenylalanine, which is neutral and non-polar, at codon 43 of the PTPN11 protein (p.Leu43Phe). Advanced modeling of protein sequence and biophysical properties (such as structural, functional, and spatial information, amino acid conservation, physicochemical variation, residue mobility, and thermodynamic stability) performed at Invitae indicates that this missense variant is expected to disrupt PTPN11 protein function. In summary, the available evidence is currently insufficient to determine the role of this variant in disease. Therefore, it has been classified as a Variant of Uncertain Significance.

Fulgent Genetics
Classification: Uncertain significance for LEOPARD syndrome 1; Metachondromatosis; Noonan syndrome 1; Juvenile myelomonocytic leukemia. Last evaluated: 2021-08-26. Review status: criteria provided, single submitter. Criteria: ACMG Guidelines, 2015. Collection method: clinical testing. Allele origin: unknown.

Women's Health and Genetics/Laboratory Corporation of America, LabCorp
Classification: Uncertain significance. Last evaluated: 2019-10-08. Review status: criteria provided, single submitter. Criteria: LabCorp Variant Classification Summary - May 2015. Collection method: clinical testing. Allele origin: germline.
Comment: Variant summary: PTPN11 c.127C>T (p.Leu43Phe) results in a non-conservative amino acid change located in the SH2 domain of the encoded protein sequence. Five of five in-silico tools predict a damaging effect of the variant on protein function. The variant was absent in 251410 control chromosomes (gnomAD). The available data on variant occurrences in the general population are insufficient to allow any conclusion about variant significance. c.127C>T has been reported in the literature in an individual affected with atrioventricular septal defect (Weismann_2005). This report does not provide unequivocal conclusions about association of the variant with Noonan Syndrome and Related Conditions. The variant is located close to a known Noonan syndrome mutation (PTPN11 p.T42A) and it is part of a group of variants located in the phosphopeptide-binding clefts in the N-terminal SH2 domain which are implicated in the intermolecular interactions of the protein with its signaling partners and which control SHP-2 translocation and activation. Mutations affecting these pockets are predicted to perturb phosphopeptide-binding specificity and/or affinity (Lappalainen_2008, Tartaglia_2006). However, to our knowledge, no experimental evidence demonstrating an impact of the variant on protein function has been reported. Two ClinVar submitters (evaluation after 2014) cite the variant as uncertain significance (n=1) and as likely pathogenic (n=1). Based on the evidence outlined above, the variant was classified as uncertain significance until additional data of clinical and functional significance become available.

Literature cited by the submitters: PubMed 15940693 (cited by Labcorp Genetics (formerly Invitae), Labcorp and Women's Health and Genetics/Laboratory Corporation of America, LabCorp); PubMed 16358218 (cited by Women's Health and Genetics/Laboratory Corporation of America, LabCorp); PubMed 18260110 (cited by Women's Health and Genetics/Laboratory Corporation of America, LabCorp); PubMed 22781091 (cited by Women's Health and Genetics/Laboratory Corporation of America, LabCorp); PubMed 16892325 (cited by Women's Health and Genetics/Laboratory Corporation of America, LabCorp).

NM_002834.5(PTPN11):c.127C>T (p.Leu43Phe)

Gene: PTPN11 (protein tyrosine phosphatase non-receptor type 11; plus strand). Cytogenetic location: 12q24.13.
Variant type: single nucleotide variant.
Coding change: c.127C>T on transcript NM_002834.5 (MANE Select); coding-DNA position 127, C replaced by T.
Protein change: p.Leu43Phe; replaces leucine 43 with phenylalanine.
Molecular consequence: missense variant.
Genome position (GRCh38, 1-based): chr12:112,446,388, C>T. VCF-style: chr12-112446388-C-T. GRCh37 (hg19) VCF-style: chr12-112884192-C-T.
Other names: c.127C>T, p.Leu43Phe (NM_001330437.2, NM_001374625.1, NM_080601.3); short protein forms L43F.
Identifiers: ClinVar variation 561500 (VCV000561500.16), dbSNP rs1566164987, ClinGen allele CA386776360.